The following is an entry in ClinVar:

NM_004795.4(KL):c.2276G>A (p.Trp759Ter)

Gene: KL (klotho; plus strand). Cytogenetic location: 13q13.1.
Variant type: single nucleotide variant.
Coding change: c.2276G>A on transcript NM_004795.4 (MANE Select); coding-DNA position 2276, G replaced by A.
Protein change: p.Trp759Ter; replaces tryptophan 759 with a stop codon.
Molecular consequence: nonsense.
Genome position (GRCh38, 1-based): chr13:33,061,355, G>A. VCF-style: chr13-33061355-G-A. GRCh37 (hg19) VCF-style: chr13-33635492-G-A.
Other names: short protein forms W759*.
Identifiers: ClinVar variation 1969343 (VCV001969343.5), dbSNP rs1872190578, ClinGen allele CA387796267.

ClinVar aggregate classification (germline): Uncertain significance (1 of 4 stars; one submission).

Allele frequency attached by ClinVar (database versions not stated): TOPMed below 0.00001.

Submission:

Labcorp Genetics (formerly Invitae), Labcorp
Classification: Uncertain significance. Last evaluated: 2023-02-08. Review status: criteria provided, single submitter. Criteria: Invitae Variant Classification Sherloc (09022015). Collection method: clinical testing. Allele origin: germline.
Comment: This variant is not present in population databases (gnomAD no frequency). In summary, the available evidence is currently insufficient to determine the role of this variant in disease. Therefore, it has been classified as a Variant of Uncertain Significance. This variant has not been reported in the literature in individuals affected with KL-related conditions. This sequence change creates a premature translational stop signal (p.Trp759*) in the KL gene. It is expected to result in an absent or disrupted protein product. However, the current clinical and genetic evidence is not sufficient to establish whether loss-of-function variants in KL cause disease.